The following is an entry in ClinVar:

ClinVar aggregate classification (germline): Uncertain significance (1 of 4 stars; one submission).

Conditions:
Severe combined immunodeficiency due to DNA-PKcs deficiency. Also called: Immunodeficiency 26 with or without neurologic abnormalities; IMMUNODEFICIENCY 26 WITH NEUROLOGIC ABNORMALITIES. Identifiers: Orphanet 317425, MedGen C4014833, MONDO:0014423, OMIM 615966.

Submission:

Labcorp Genetics (formerly Invitae), Labcorp
Classification: Uncertain significance for Severe combined immunodeficiency due to DNA-PKcs deficiency. Last evaluated: 2018-11-17. Review status: criteria provided, single submitter. Criteria: Invitae Variant Classification Sherloc (09022015). Collection method: clinical testing. Allele origin: germline.
Comment: In summary, the available evidence is currently insufficient to determine the role of this variant in disease. Therefore, it has been classified as a Variant of Uncertain Significance. Algorithms developed to predict the effect of missense changes on protein structure and function are either unavailable or do not agree on the potential impact of this missense change (SIFT: "Tolerated"; PolyPhen-2: "Not Available"; Align-GVGD: "Class C0".) This variant has not been reported in the literature in individuals with PRKDC-related disease. This variant is not present in population databases (ExAC no frequency). This sequence change replaces lysine with glutamic acid at codon 2268 of the PRKDC protein (p.Lys2268Glu). The lysine residue is highly conserved and there is a small physicochemical difference between lysine and glutamic acid.

NM_006904.7(PRKDC):c.6802A>G (p.Lys2268Glu)

Gene: PRKDC (protein kinase, DNA-activated, catalytic subunit; minus strand). Cytogenetic location: 8q11.21.
Variant type: single nucleotide variant.
Coding change: c.6802A>G on transcript NM_006904.7 (MANE Select); coding-DNA position 6802, A replaced by G.
Protein change: p.Lys2268Glu; replaces lysine 2268 with glutamic acid.
Molecular consequence: missense variant.
Genome position (GRCh38, 1-based): chr8:47,854,174, T>C on the plus strand (A>G on the coding strand, the complement: PRKDC is on the minus strand). VCF-style: chr8-47854174-T-C. GRCh37 (hg19) VCF-style: chr8-48766735-T-C.
Other names: c.6802A>G, p.Lys2268Glu (NM_001081640.2); short protein forms K2268E.
Identifiers: ClinVar variation 645779 (VCV000645779.7), dbSNP rs1589744087, ClinGen allele CA371158553.